The following is an entry in ClinVar:

ClinVar aggregate classification (germline): Uncertain significance (1 of 4 stars; one submission).

Conditions:
Neuronal ceroid lipofuscinosis. Also called: Neuronal Ceroid Lipofuscinoses. Identifiers: Orphanet 216, Orphanet 79263, MedGen C0027877, MONDO:0016295. Disease mechanism: loss of function.

Submission:

Labcorp Genetics (formerly Invitae), Labcorp
Classification: Uncertain significance for Neuronal ceroid lipofuscinosis. Last evaluated: 2022-09-01. Review status: criteria provided, single submitter. Criteria: Invitae Variant Classification Sherloc (09022015). Collection method: clinical testing. Allele origin: germline.
Comment: This sequence change replaces valine, which is neutral and non-polar, with leucine, which is neutral and non-polar, at codon 223 of the CLN8 protein (p.Val223Leu). This variant is not present in population databases (gnomAD no frequency). This variant has not been reported in the literature in individuals affected with CLN8-related conditions. ClinVar contains an entry for this variant (Variation ID: 940900). Advanced modeling of protein sequence and biophysical properties (such as structural, functional, and spatial information, amino acid conservation, physicochemical variation, residue mobility, and thermodynamic stability) performed at Invitae indicates that this missense variant is not expected to disrupt CLN8 protein function. In summary, the available evidence is currently insufficient to determine the role of this variant in disease. Therefore, it has been classified as a Variant of Uncertain Significance.

NM_018941.4(CLN8):c.667G>C (p.Val223Leu)

Gene: CLN8 (CLN8 transmembrane ER and ERGIC protein; plus strand). Cytogenetic location: 8p23.3.
Variant type: single nucleotide variant.
Coding change: c.667G>C on transcript NM_018941.4 (MANE Select); coding-DNA position 667, G replaced by C.
Protein change: p.Val223Leu; replaces valine 223 with leucine.
Molecular consequence: missense variant.
Genome position (GRCh38, 1-based): chr8:1,780,373, G>C. VCF-style: chr8-1780373-G-C. GRCh37 (hg19) VCF-style: chr8-1728539-G-C.
Other names: short protein forms V223L.
Identifiers: ClinVar variation 940900 (VCV000940900.4), dbSNP rs1801676517, ClinGen allele CA369954079.
Genomic context (GRCh38, chr8:1,780,373, plus strand): 5'-TGCCGCATGGTTCTAACCTACCACATGTGGTGGGTGTGTTTCTGGCACTGGGACGGCCTG[G>C]TCAGCAGCCTGTATCTGCCTCATTTGACACTGTTCCTTGTCGGACTGGCTCTGCTTACGC-3'
Protein context (NP_061764.2, residues 213-233): WVCFWHWDGL[Val223Leu]SSLYLPHLTL